The following is an entry in ClinVar:

ClinVar aggregate classification (germline): Uncertain significance (1 of 4 stars; one submission).

Allele frequency attached by ClinVar (database versions not stated): gnomAD exomes below 0.00001; ExAC 0.00001; TOPMed 0.00001.

Submission:

Labcorp Genetics (formerly Invitae), Labcorp
Classification: Uncertain significance. Last evaluated: 2023-06-06. Review status: criteria provided, single submitter. Criteria: Invitae Variant Classification Sherloc (09022015). Collection method: clinical testing. Allele origin: germline.
Comment: This sequence change replaces histidine, which is basic and polar, with tyrosine, which is neutral and polar, at codon 113 of the BMP2 protein (p.His113Tyr). In summary, the available evidence is currently insufficient to determine the role of this variant in disease. Therefore, it has been classified as a Variant of Uncertain Significance. An algorithm developed to predict the effect of missense changes on protein structure and function (PolyPhen-2) suggests that this variant is likely to be tolerated. This variant has not been reported in the literature in individuals affected with BMP2-related conditions. This variant is present in population databases (rs746966399, gnomAD 0.001%).

NM_001200.4(BMP2):c.337C>T (p.His113Tyr)

Gene: BMP2 (bone morphogenetic protein 2; plus strand). Cytogenetic location: 20p12.3.
Variant type: single nucleotide variant.
Coding change: c.337C>T on transcript NM_001200.4 (MANE Select); coding-DNA position 337, C replaced by T.
Protein change: p.His113Tyr; replaces histidine 113 with tyrosine.
Molecular consequence: missense variant.
Genome position (GRCh38, 1-based): chr20:6,770,463, C>T. VCF-style: chr20-6770463-C-T. GRCh37 (hg19) VCF-style: chr20-6751110-C-T.
Other names: short protein forms H113Y.
Identifiers: ClinVar variation 2806490 (VCV002806490.3), dbSNP rs746966399, ClinGen allele CA9758647.